The following is an entry in ClinVar:

NM_007294.4(BRCA1):c.1360_1361del (p.Glu453_Ser454insTer)

Gene: BRCA1 (BRCA1 DNA repair associated; minus strand). Cytogenetic location: 17q21.31.
Variant type: Microsatellite.
Coding change: c.1360_1361del on transcript NM_007294.4 (MANE Select); coding-DNA positions 1360 to 1361, 2 bases deleted (AG; older notation c.1360_1361delAG).
Protein change: p.Glu453_Ser454insTer.
Molecular consequence: nonsense. On other transcripts: frameshift variant (1), intron variant (137).
Genome position (GRCh38, 1-based): chr17:43,094,170-43,094,171, CT deleted on the plus strand (AG on the coding strand, the reverse complement: BRCA1 is on the minus strand); deleting any 2 consecutive bases within chr17:43,094,170-43,094,175 gives the same sequence; the c. name uses the placement nearest the transcript's 3' end. VCF-style (leftmost placement, unchanged base first): chr17-43094169-ACT-A. GRCh37 (hg19) VCF-style: chr17-41246186-ACT-A.
Other names: p.S454X:AGT>TAA; 1479delAG; c.1360_1361delAG (NM_007294.3); c.1147_1148del, p.Glu382_Ser383insTer (NM_001407571.1, NM_001407853.1, NM_001407894.1 and 9 more transcripts); c.1360_1361del, p.Glu453_Ser454insTer (NM_001407581.1, NM_001407582.1, NM_001407583.1 and 30 more transcripts); c.1357_1358del, p.Glu452_Ser453insTer (NM_001407587.1, NM_001407590.1, NM_001407591.1 and 22 more transcripts); c.1351_1352del, p.Glu450_Ser451insTer (NM_001407646.1, NM_001407647.1); c.1237_1238del, p.Glu412_Ser413insTer (NM_001407648.1, NM_001407664.1, NM_001407665.1 and 19 more transcripts); and 43 more.
Identifiers: ClinVar variation 37406 (VCV000037406.66), dbSNP rs80357969, ClinGen allele CA000906.

ClinVar aggregate classification (germline): Pathogenic. Review status: reviewed by expert panel (3 of 4 stars). 26 submissions from 26 submitters: Pathogenic (1). 25 of the submissions do not count toward it. Last evaluated 2016-09-08.

Conditions:
Inherited ovarian cancer (without breast cancer).
BRCA1-related cancer predisposition. Identifiers: MedGen CN377757, MONDO:0700268.
Breast and/or ovarian cancer. Identifiers: MedGen CN221562.
Hereditary cancer-predisposing syndrome. Also called: Neoplastic Syndromes, Hereditary; Tumor predisposition; Hereditary Cancer Syndrome; Hereditary neoplastic syndrome. Identifiers: Orphanet 140162, MedGen C0027672, MeSH D009386, MONDO:0015356.
Hereditary breast ovarian cancer syndrome. Also called: Hereditary breast and ovarian cancer; Breast and ovarian cancer; Hereditary breast and/or ovarian cancer syndrome; BRCA1- and BRCA2-Associated Hereditary Breast and Ovarian Cancer; Hereditary breast and ovarian cancer syndrome; Hereditary breast and ovarian cancer syndrome (HBOC). Identifiers: Orphanet 145, MedGen C0677776, MeSH D061325, MONDO:0003582. Disease mechanism: loss of function.
Breast-ovarian cancer, familial, susceptibility to, 1 (BROVCA1). Also called: BRCA1 Hereditary Breast and Ovarian Cancer; OVARIAN CANCER, SUSCEPTIBILITY TO. Identifiers: Orphanet 145, MedGen C2676676, MONDO:0011450, OMIM 604370. Disease mechanism: loss of function.

Submissions 1 to 13 of 26:

Evidence-based Network for the Interpretation of Germline Mutant Alleles (ENIGMA)
Classification: Pathogenic for Breast-ovarian cancer, familial, susceptibility to, 1. Last evaluated: 2016-09-08. Review status: reviewed by expert panel. Criteria: ENIGMA BRCA1/2 Classification Criteria (2015). Collection method: curation. Allele origin: germline.
Comment: Variant allele predicted to encode a truncated non-functional protein.

Hema, HEMA – Genetic and Molecular Diagnostic Laboratory
Classification: Pathogenic for BRCA1-related cancer predisposition. Last evaluated: 2026-09-14. Review status: criteria provided, single submitter. Criteria: HEMA Variant Classification Assertion Criteria. Collection method: clinical testing. Allele origin: germline. Not counted in ClinVar's aggregate classification.
Comment: The variant c.1360_1361del p.(Ser454Ter) is a dinucleotide CT deletion that results in a frameshift in BRCA1. PVS1: Null variant (nonsense) in a gene for which loss of function is a known disease mechanism. The variant c.1360_1361del p.(Ser454Ter) in the BRCA1 gene introduces a premature stop codon in exon 10/23, which is predicted to result in nonsense-mediated decay (NMD) of the transcript. PM5_Strong: Variant that introduces a premature stop codon in exon 10 of the BRCA1 gene.

Genetics Laboratory, Great Ormond Street Hospital NHS Foundation Trust, North Thames Genomic Laboratory Hub
Classification: Pathogenic for Inherited ovarian cancer (without breast cancer). Last evaluated: 2026-06-18. Review status: criteria provided, single submitter. Criteria: CanVIG BRCA Gene Specific V1.22. Collection method: clinical testing. Allele origin: germline. Affected: yes. Not counted in ClinVar's aggregate classification.
Comment: PS4_supporting, PM2_supporting, PVS1_very-strong

Labcorp Genetics (formerly Invitae), Labcorp
Classification: Pathogenic for Hereditary breast ovarian cancer syndrome. Last evaluated: 2025-08-18. Review status: criteria provided, single submitter. Criteria: Invitae Variant Classification Sherloc (09022015). Collection method: clinical testing. Allele origin: germline. Not counted in ClinVar's aggregate classification.
Comment: This sequence change creates a premature translational stop signal (p.Ser454*) in the BRCA1 gene. It is expected to result in an absent or disrupted protein product. Loss-of-function variants in BRCA1 are known to be pathogenic (PMID: 20104584). This variant is present in population databases (rs80357969, gnomAD 0.002%). This premature translational stop signal has been observed in individual(s) with breast and/or ovarian cancer (PMID: 10528853, 22874498, 26219728, 26681312). This variant is also known as 1479delAG. ClinVar contains an entry for this variant (Variation ID: 37406). For these reasons, this variant has been classified as Pathogenic.

Ambry Genetics
Classification: Pathogenic for Hereditary cancer-predisposing syndrome. Last evaluated: 2025-03-30. Review status: criteria provided, single submitter. Criteria: Ambry Variant Classification Scheme 2023. Collection method: clinical testing. Allele origin: germline. Not counted in ClinVar's aggregate classification.
Comment: The c.1360_1361delAG pathogenic mutation, located in coding exon 9 of the BRCA1 gene, results from a deletion of two nucleotides at nucleotide positions 1360 to 1361, causing a translational frameshift with a predicted alternate stop codon (p.S454*). This alteration has been reported in several unrelated individuals diagnosed with breast and/or ovarian cancer (van Orsouw NJ et al. J. Med. Genet. 1999 Oct;36(10):747-53; Ottini L et al. Breast Cancer Res. 2000 Mar;2(4):307-10; Risch HA et al. J. Natl. Cancer Inst. 2006 Dec 6;98(23):1694-706; Ozcelik H et al. J. Mol. Diagn. 2012 Sep;14(5):467-75; Azzollini J et al. Eur. J. Intern. Med. 2016 Jul;32:65-71; Plaskocinska I et al. J. Med. Genet. 2016 Oct;53(10):655-61; Heramb C et al. Hered. Cancer Clin. Pract. 2018 Jan;16:3). Of note, this alteration is also designated as 1479delAG in published literature. In addition to the clinical data presented in the literature, this alteration is expected to result in loss of function by premature protein truncation or nonsense-mediated mRNA decay. As such, this alteration is interpreted as a disease-causing mutation.

Molecular Pathology, Peter Maccallum Cancer Centre
Classification: Pathogenic for Breast-ovarian cancer, familial, susceptibility to, 1. Last evaluated: 2025-02-20. Review status: criteria provided, single submitter. Criteria: ACMG Guidelines, 2015. Collection method: clinical testing. Allele origin: germline. Inheritance: Autosomal dominant inheritance. Not counted in ClinVar's aggregate classification.

CeGaT Center for Human Genetics Tuebingen
Classification: Pathogenic. Last evaluated: 2024-12-01. Review status: criteria provided, single submitter. Criteria: CeGaT Center For Human Genetics Tuebingen Variant Classification Criteria Version 2. Collection method: clinical testing. Allele origin: germline. Affected: yes. Observed: 1 variant allele. Not counted in ClinVar's aggregate classification.
Comment: BRCA1: PVS1, PM2, PS4:Moderate

Color Diagnostics, LLC DBA Color Health
Classification: Pathogenic for Hereditary cancer-predisposing syndrome. Last evaluated: 2024-03-19. Review status: criteria provided, single submitter. Criteria: ACMG Guidelines, 2015. Collection method: clinical testing. Allele origin: germline. Not counted in ClinVar's aggregate classification.
Comment: This variant deletes 2 nucleotides in exon 10 of the BRCA1 gene, creating a frameshift and premature translation stop signal. This variant is expected to result in an absent or non-functional protein product. This variant is also known as 1479delAG based on Breast Cancer Information Core (BIC) nomenclature. This variant has been reported in over twenty individuals affected with breast and/or ovarian cancer, and in high-risk breast and ovarian cancer families (PMID: 10528853, 11056688, 11938448, 17148771, 21324516, 22874498, 26219728, 26681312, 27208206, 32245699, 32438681, 33403015, 33471991). This variant has been identified in 29 families among the CIMBA participants (PMID: 29446198). This variant has been identified in 2/251004 chromosomes in the general population by the Genome Aggregation Database (gnomAD). Loss of BRCA1 function is a known mechanism of disease. Based on the available evidence, this variant is classified as Pathogenic.

Clinical Genetics Laboratory, Skane University Hospital Lund
Classification: Pathogenic. Last evaluated: 2024-02-08. Review status: criteria provided, single submitter. Criteria: ACMG Guidelines, 2015. Collection method: clinical testing. Allele origin: germline. Affected: yes. Not counted in ClinVar's aggregate classification.

Baylor Genetics
Classification: Pathogenic for Breast-ovarian cancer, familial, susceptibility to, 1. Last evaluated: 2023-10-22. Review status: criteria provided, single submitter. Criteria: ACMG Guidelines, 2015. Collection method: clinical testing. Allele origin: unknown. Not counted in ClinVar's aggregate classification.

CHEO Genetics Diagnostic Laboratory, Children's Hospital of Eastern Ontario
Classification: Pathogenic for Breast and/or ovarian cancer. Last evaluated: 2023-06-12. Review status: criteria provided, single submitter. Criteria: ACMG Guidelines, 2015. Collection method: clinical testing. Allele origin: germline. Not counted in ClinVar's aggregate classification.

Revvity Omics, Revvity
Classification: Pathogenic. Last evaluated: 2021-11-25. Review status: criteria provided, single submitter. Criteria: ACMG Guidelines, 2015. Collection method: clinical testing. Allele origin: germline. Not counted in ClinVar's aggregate classification.

Quest Diagnostics Nichols Institute San Juan Capistrano
Classification: Pathogenic. Last evaluated: 2021-03-25. Review status: criteria provided, single submitter. Criteria: Quest Diagnostics criteria. Collection method: clinical testing. Allele origin: unknown. Not counted in ClinVar's aggregate classification.
Comment: This nonsense variant causes the premature termination of BRCA1 protein synthesis. In addition, it has been reported in individual and families with breast and ovarian cancer in the published literature (PMID: 31209999 (2019), 26219728 (2016), 11056688 (2000)). Based on the available information, this variant is classified as pathogenic.